The following is an entry in ClinVar:

ClinVar aggregate classification (germline): Benign. Review status: criteria provided, multiple submitters, no conflicts (2 of 4 stars). 5 submissions from 3 submitters: Benign (5). Last evaluated 2026-01-19.

Conditions:
Rabson-Mendenhall syndrome. Also called: MENDENHALL SYNDROME; Pineal Hyperplasia, Insulin-Resistant Diabetes Mellitus, and Somatic Abnormalities; Pineal hyperplasia AND diabetes mellitus syndrome. Identifiers: Orphanet 769, MedGen C0271695, MONDO:0009874, OMIM 262190.
Leprechaunism syndrome. Also called: Donohue syndrome; LEPRECHAUNISM. Identifiers: Orphanet 508, MedGen C0265344, MONDO:0009517, OMIM 246200.
Insulin-resistant diabetes mellitus AND acanthosis nigricans. Also called: Insulin-resistance syndrome type A; INSULIN RECEPTOR, DEFECT IN, WITH INSULIN-RESISTANT DIABETES MELLITUS AND ACANTHOSIS NIGRICANS; IRAN, TYPE A; type A insulin resistance; DIABETES MELLITUS, INSULIN-RESISTANT, WITH ACANTHOSIS NIGRICANS, TYPE A. Identifiers: Orphanet 2297, MedGen C0342278, MONDO:0012520, OMIM 610549.

Allele frequency attached by ClinVar (database versions not stated): ESP Exome Variant Server 0.01968; TOPMed 0.02055; 1000 Genomes Project 30x 0.02124; 1000 Genomes Project 0.02196.
gnomAD v4.1: 15,004 of 1,614,028 alleles (0.93%); highest among the groups gnomAD compares: African/African-American, 4.3%; 162 homozygotes.

Submissions (5):

Labcorp Genetics (formerly Invitae), Labcorp
Classification: Benign. Last evaluated: 2026-01-19. Review status: criteria provided, single submitter. Criteria: Invitae Variant Classification Sherloc (09022015). Collection method: clinical testing. Allele origin: germline.

Illumina Laboratory Services, Illumina
Classification: Benign for Rabson-Mendenhall syndrome. Last evaluated: 2018-01-13. Review status: criteria provided, single submitter. Criteria: ICSL Variant Classification Criteria 13 December 2019. Collection method: clinical testing. Allele origin: germline.
Comment: This variant was observed in the ICSL laboratory as part of a predisposition screen in an ostensibly healthy population. It had not been previously curated by ICSL or reported in the Human Gene Mutation Database (HGMD: prior to June 1st, 2018), and was therefore a candidate for classification through an automated scoring system. Utilizing variant allele frequency, disease prevalence and penetrance estimates, and inheritance mode, an automated score was calculated to assess if this variant is too frequent to cause the disease. Based on the score and internal cut-off values, a variant classified as benign is not then subjected to further curation. The score for this variant resulted in a classification of benign for this disease.

Illumina Laboratory Services, Illumina
Classification: Benign for Leprechaunism syndrome. Last evaluated: 2018-01-13. Review status: criteria provided, single submitter. Criteria: ICSL Variant Classification Criteria 13 December 2019. Collection method: clinical testing. Allele origin: germline.
Comment: the same text as in the submission from Illumina Laboratory Services, Illumina above.

Illumina Laboratory Services, Illumina
Classification: Benign for Insulin-resistant diabetes mellitus AND acanthosis nigricans. Last evaluated: 2018-01-13. Review status: criteria provided, single submitter. Criteria: ICSL Variant Classification Criteria 13 December 2019. Collection method: clinical testing. Allele origin: germline.
Comment: the same text as in the submission from Illumina Laboratory Services, Illumina above.

Breakthrough Genomics
Classification: Benign. Review status: criteria provided, single submitter. Criteria: ACMG Guidelines, 2015. Collection method: not provided. Allele origin: germline. Inheritance: Autosomal recessive inheritance. Affected: yes.

NM_000208.4(INSR):c.2526G>C (p.Ala842=)

Gene: INSR (insulin receptor; minus strand). Cytogenetic location: 19p13.2.
Variant type: single nucleotide variant.
Coding change: c.2526G>C on transcript NM_000208.4 (MANE Select); coding-DNA position 2526, G replaced by C.
Protein change: p.Ala842=; no amino-acid change (alanine 842 retained).
Molecular consequence: synonymous variant.
Genome position (GRCh38, 1-based): chr19:7,142,832, C>G on the plus strand (G>C on the coding strand, the complement: INSR is on the minus strand). VCF-style: chr19-7142832-C-G. GRCh37 (hg19) VCF-style: chr19-7142843-C-G.
Other names: c.2490G>C, p.Ala830= (NM_001079817.3).
Identifiers: ClinVar variation 330458 (VCV000330458.12), dbSNP rs2229430, ClinGen allele CA9135530.